The following is an entry in ClinVar:

ClinVar aggregate classification (germline): Likely pathogenic. Review status: criteria provided, multiple submitters, no conflicts (2 of 4 stars). 2 submissions from 2 submitters: Likely pathogenic (2). Last evaluated 2025-08-18.

Conditions:
PROP1-related disorder. Also called: PROP1-related condition.
Pituitary hormone deficiency, combined, 2. Also called: PROP1-Related Combined Pituitary Hormone Deficiency; PITUITARY DWARFISM III; ATELIOTIC DWARFISM WITH HYPOGONADISM; HANHART DWARFISM. Identifiers: MedGen C0878683, MONDO:0009878, OMIM 262600.

Submissions (2):

PreventionGenetics, part of Exact Sciences
Classification: Likely pathogenic for PROP1-related condition. Last evaluated: 2025-08-18. Review status: criteria provided, single submitter. Criteria: ACMG Guidelines, 2015. Collection method: clinical testing. Allele origin: germline.
Comment: The PROP1 c.212G>A variant is predicted to result in the amino acid substitution p.Arg71His. This variant has been reported in the compound heterozygous state with PROP1 p.Arg71Cys in two related individuals with combined pituitary hormone deficiency (Paracchini et al. 2003. PubMed ID: 12859410). This variant is reported in 0.0065% of alleles in individuals of South Asian descent in gnomAD. An alternate missense substitution affecting the same amino acid (p.Arg71Cys) has been reported in additional individuals with combined pituitary hormone deficiency (Blum et al. 2018. PubMed ID: 30266296; Almatrafi et al. 2023. PubMed ID: 36984475). This variant is interpreted as likely pathogenic.

Natera, Inc.
Classification: Likely pathogenic for Combined pituitary hormone deficiency type 2. Last evaluated: 2025-07-17. Review status: criteria provided, single submitter. Criteria: Natera Variant Classification Schema (03/2026). Collection method: clinical testing. Allele origin: germline.
Comment: The c.212G>A variant in PROP1 is a missense variant predicted to cause substitution of arginine to histidine at amino acid 71. This variant is rare in the general population with a frequency below the threshold expected for the associated phenotype(s). This variant has been observed in one or more individuals affected with the associated recessive disease, as either homozygous or compound heterozygous with a second variant (PMID: 12859410, 24178788). This variant has been observed to segregate in affected family members (PMID: 12859410). A different variant at the same position has been determined to be Pathogenic or Likely Pathogenic. Computational prediction algorithms indicate this variant is likely to affect gene or protein function. Given the available evidence, this variant is classified as Likely Pathogenic.

Literature cited by the submitters: PubMed 12859410 (cited by Natera, Inc.); PubMed 24178788 (cited by Natera, Inc.).

NM_006261.5(PROP1):c.212G>A (p.Arg71His)

Gene: PROP1 (PROP paired-like homeobox 1; minus strand). Cytogenetic location: 5q35.3.
Variant type: single nucleotide variant.
Coding change: c.212G>A on transcript NM_006261.5 (MANE Select); coding-DNA position 212, G replaced by A.
Protein change: p.Arg71His; replaces arginine 71 with histidine.
Molecular consequence: missense variant.
Genome position (GRCh38, 1-based): chr5:177,994,236, C>T on the plus strand (G>A on the coding strand, the complement: PROP1 is on the minus strand). VCF-style: chr5-177994236-C-T. GRCh37 (hg19) VCF-style: chr5-177421237-C-T.
Other names: short protein forms R71H.
Identifiers: ClinVar variation 4815500 (VCV004815500.2).